The following is an entry in ClinVar:

NM_001184.4(ATR):c.5559-8_5559-5del

Gene: ATR (ATR checkpoint kinase; minus strand). Cytogenetic location: 3q23.
Variant type: Microsatellite.
Coding change: c.5559-8_5559-5del on transcript NM_001184.4 (MANE Select); 8 bases into the intron before coding-DNA position 5559 through 5 bases into the intron before coding-DNA position 5559, 4 bases deleted (ATCT; older notation c.5559-8_5559-5delATCT).
Molecular consequence: intron variant.
Genome position (GRCh38, 1-based): chr3:142,497,197-142,497,200, AGAT deleted on the plus strand (ATCT on the coding strand, the reverse complement: ATR is on the minus strand); deleting any 4 consecutive bases within chr3:142,497,197-142,497,207 gives the same sequence; the c. name uses the placement nearest the transcript's 3' end. VCF-style (leftmost placement, unchanged base first): chr3-142497196-AAGAT-A. GRCh37 (hg19) VCF-style: chr3-142216038-AAGAT-A.
Other names: c.5367-8_5367-5del (NM_001354579.2).
Identifiers: ClinVar variation 1021528 (VCV001021528.8), dbSNP rs768134177, ClinGen allele CA2649583.
Genomic context (GRCh38, chr3:142,497,196, plus strand): 5'-GGAGAATGCTGGAAAAGTGGTTTGATGCTATGCTCCAACTCACATAACATGTGCAATCTG[AAGAT>A]AGATAGAGCCTATGTTAAAATGTTATCATATTCAGCCTTATTAATCTCATATATAAAGCA-3'

ClinVar aggregate classification (germline): Uncertain significance (1 of 4 stars; one submission).

Submission:

Labcorp Genetics (formerly Invitae), Labcorp
Classification: Uncertain significance. Last evaluated: 2025-07-28. Review status: criteria provided, single submitter. Criteria: Invitae Variant Classification Sherloc (09022015). Collection method: clinical testing. Allele origin: germline.
Comment: This sequence change falls in intron 32 of the ATR gene. It does not directly change the encoded amino acid sequence of the ATR protein. It affects a nucleotide within the consensus splice site. This variant is present in population databases (rs768134177, gnomAD 0.05%). This variant has not been reported in the literature in individuals affected with ATR-related conditions. Variants that disrupt the consensus splice site are a relatively common cause of aberrant splicing (PMID: 17576681, 9536098). Algorithms developed to predict the effect of sequence changes on RNA splicing suggest that this variant may disrupt the consensus splice site. In summary, the available evidence is currently insufficient to determine the role of this variant in disease. Therefore, it has been classified as a Variant of Uncertain Significance.

Literature cited by the submitters: PubMed 17576681; PubMed 9536098.